The following is an entry in ClinVar:

NM_007294.4(BRCA1):c.5081A>G (p.Glu1694Gly)

Gene: BRCA1 (BRCA1 DNA repair associated; minus strand). Cytogenetic location: 17q21.31.
Variant type: single nucleotide variant.
Coding change: c.5081A>G on transcript NM_007294.4 (MANE Select); coding-DNA position 5081, A replaced by G.
Protein change: p.Glu1694Gly; replaces glutamic acid 1694 with glycine.
Molecular consequence: missense variant. On other transcripts: non-coding transcript variant (1).
Genome position (GRCh38, 1-based): chr17:43,063,945, T>C on the plus strand (A>G on the coding strand, the complement: BRCA1 is on the minus strand). VCF-style: chr17-43063945-T-C. GRCh37 (hg19) VCF-style: chr17-41215962-T-C.
Other names: c.4868A>G, p.Glu1623Gly (NM_001407571.1, NM_001407894.1, NM_001407908.1 and 12 more transcripts); c.5147A>G, p.Glu1716Gly (NM_001407581.1, NM_001407582.1); c.5144A>G, p.Glu1715Gly (NM_001407583.1, NM_001407585.1, NM_001407587.1 and 1 more transcripts); c.5141A>G, p.Glu1714Gly (NM_001407590.1, NM_001407591.1); c.5081A>G, p.Glu1694Gly (NM_001407593.1, NM_001407684.1, NM_001407854.1 and 7 more transcripts); c.5078A>G, p.Glu1693Gly (NM_001407613.1, NM_001407614.1, NM_001407615.1 and 17 more transcripts); c.5075A>G, p.Glu1692Gly (NM_001407632.1, NM_001407633.1, NM_001407634.1 and 14 more transcripts); c.5003A>G, p.Glu1668Gly (NM_001407655.1, NM_001407653.1, NM_001407654.1); and 71 more; short protein forms E1694G, E590G, E1647G, E1715G, E1397G, E1581G, E1583G, E1605G.
Identifiers: ClinVar variation 567879 (VCV000567879.12), dbSNP rs1567769562, ClinGen allele CA10591361.

ClinVar aggregate classification (germline): Uncertain significance (1 of 4 stars; one submission).

Conditions:
Hereditary breast ovarian cancer syndrome. Also called: Hereditary breast and ovarian cancer; Hereditary breast and ovarian cancer syndrome; Hereditary breast and ovarian cancer syndrome (HBOC); Breast and ovarian cancer; BRCA1- and BRCA2-Associated Hereditary Breast and Ovarian Cancer; Hereditary breast and/or ovarian cancer syndrome. Identifiers: Orphanet 145, MedGen C0677776, MeSH D061325, MONDO:0003582. Disease mechanism: loss of function.

Submissions (2):

Labcorp Genetics (formerly Invitae), Labcorp
Classification: Uncertain significance for Hereditary breast ovarian cancer syndrome. Last evaluated: 2018-06-19. Review status: criteria provided, single submitter. Criteria: Invitae Variant Classification Sherloc (09022015). Collection method: clinical testing. Allele origin: germline.
Comment: This variant is not present in population databases (ExAC no frequency). In summary, the available evidence is currently insufficient to determine the role of this variant in disease. Therefore, it has been classified as a Variant of Uncertain Significance. Algorithms developed to predict the effect of missense changes on protein structure and function are either unavailable or do not agree on the potential impact of this missense change (SIFT: "Deleterious"; PolyPhen-2: "Possibly Damaging"; Align-GVGD: "Class C0"). This variant has not been reported in the literature in individuals with BRCA1-related disease. This sequence change replaces glutamic acid with glycine at codon 1694 of the BRCA1 protein (p.Glu1694Gly). The glutamic acid residue is highly conserved and there is a moderate physicochemical difference between glutamic acid and glycine.

Brotman Baty Institute, University of Washington
No classification provided (evidence only). Condition: Breast-ovarian cancer, familial 1. Review status: no classification provided. Collection method: in vitro. Allele origin: not applicable. Functional consequence: functionally_normal. Not counted in ClinVar's aggregate classification.
ClinVar note: "not provided" was previously submitted as the classification for the variant. However, the classification appeared to be based only on an observation of functional data so it was converted to no classification on 2025-07-30.